The following is an entry in ClinVar:

ClinVar aggregate classification (germline): Likely benign (1 of 4 stars; one submission).

Submission:

CeGaT Center for Human Genetics Tuebingen
Classification: Likely benign. Last evaluated: 2025-06-01. Review status: criteria provided, single submitter. Criteria: CeGaT Center For Human Genetics Tuebingen Variant Classification Criteria Version 2. Collection method: clinical testing. Allele origin: germline. Affected: yes. Observed: 1 variant allele.
Comment: NLRP4: PM2:Supporting, BP4, BP7

NM_134444.5(NLRP4):c.1137G>C (p.Leu379=)

Gene: NLRP4 (NLR family pyrin domain containing 4; plus strand). Cytogenetic location: 19q13.43.
Variant type: single nucleotide variant.
Coding change: c.1137G>C on transcript NM_134444.5 (MANE Select); coding-DNA position 1137, G replaced by C.
Protein change: p.Leu379=; no amino-acid change (leucine 379 retained).
Molecular consequence: synonymous variant.
Genome position (GRCh38, 1-based): chr19:55,858,530, G>C. VCF-style: chr19-55858530-G-C. GRCh37 (hg19) VCF-style: chr19-56369896-G-C.
Identifiers: ClinVar variation 4085193 (VCV004085193.8).